The following is an entry in ClinVar:

ClinVar aggregate classification (germline): Uncertain significance. Review status: criteria provided, multiple submitters, no conflicts (2 of 4 stars). 2 submissions from 2 submitters: Uncertain significance (2). Last evaluated 2024-09-06.

Conditions:
Hereditary cancer-predisposing syndrome. Also called: Neoplastic Syndromes, Hereditary; Hereditary Cancer Syndrome; Tumor predisposition; Hereditary neoplastic syndrome. Identifiers: Orphanet 140162, MedGen C0027672, MeSH D009386, MONDO:0015356.

Submissions (2):

Ambry Genetics
Classification: Uncertain significance for Hereditary cancer-predisposing syndrome. Last evaluated: 2024-09-06. Review status: criteria provided, single submitter. Criteria: Ambry Variant Classification Scheme 2023. Collection method: clinical testing. Allele origin: germline.
Comment: The p.N446S variant (also known as c.1337A>G), located in coding exon 9 of the FH gene, results from an A to G substitution at nucleotide position 1337. The asparagine at codon 446 is replaced by serine, an amino acid with highly similar properties. This amino acid position is poorly conserved in available vertebrate species. In addition, this alteration is predicted to be tolerated by in silico analysis. Based on the available evidence, the clinical significance of this variant remains unclear.

Labcorp Genetics (formerly Invitae), Labcorp
Classification: Uncertain significance. Last evaluated: 2021-08-23. Review status: criteria provided, single submitter. Criteria: Invitae Variant Classification Sherloc (09022015). Collection method: clinical testing. Allele origin: germline.
Comment: This sequence change replaces asparagine with serine at codon 446 of the FH protein (p.Asn446Ser). The asparagine residue is moderately conserved and there is a small physicochemical difference between asparagine and serine. This variant is not present in population databases (ExAC no frequency). This variant has not been reported in the literature in individuals with FH-related conditions. Advanced modeling of protein sequence and biophysical properties (such as structural, functional, and spatial information, amino acid conservation, physicochemical variation, residue mobility, and thermodynamic stability) performed at Invitae indicates that this missense variant is not expected to disrupt FH protein function. In summary, the available evidence is currently insufficient to determine the role of this variant in disease. Therefore, it has been classified as a Variant of Uncertain Significance.

NM_000143.4(FH):c.1337A>G (p.Asn446Ser)

Gene: FH (fumarate hydratase; minus strand). Cytogenetic location: 1q43.
Variant type: single nucleotide variant.
Coding change: c.1337A>G on transcript NM_000143.4 (MANE Select); coding-DNA position 1337, A replaced by G.
Protein change: p.Asn446Ser; replaces asparagine 446 with serine.
Molecular consequence: missense variant.
Genome position (GRCh38, 1-based): chr1:241,500,490, T>C on the plus strand (A>G on the coding strand, the complement: FH is on the minus strand). VCF-style: chr1-241500490-T-C. GRCh37 (hg19) VCF-style: chr1-241663790-T-C.
Other names: c.1337A>G (NM_000143.3); short protein forms N446S.
Identifiers: ClinVar variation 1376677 (VCV001376677.9), dbSNP rs2147913108, ClinGen allele CA345436518.